The following is an entry in ClinVar:

NM_005585.5(SMAD6):c.1454C>T (p.Pro485Leu)

Gene: SMAD6 (SMAD family member 6; plus strand). Cytogenetic location: 15q22.31.
Variant type: single nucleotide variant.
Coding change: c.1454C>T on transcript NM_005585.5 (MANE Select); coding-DNA position 1454, C replaced by T.
Protein change: p.Pro485Leu; replaces proline 485 with leucine.
Molecular consequence: missense variant. On other transcripts: non-coding transcript variant (1).
Genome position (GRCh38, 1-based): chr15:66,781,498, C>T. VCF-style: chr15-66781498-C-T. GRCh37 (hg19) VCF-style: chr15-67073836-C-T.
Other names: short protein forms P485L.
Identifiers: ClinVar variation 3714486 (VCV003714486.2).

ClinVar aggregate classification (germline): Uncertain significance (1 of 4 stars; one submission).

Conditions:
Aortic valve disease 2 (AOVD2). Identifiers: MedGen C3542024, MONDO:0013902, OMIM 614823.

gnomAD v4.1: 2 of 1,573,940 alleles (0.00013%); highest among the groups gnomAD compares: Non-Finnish European, 0.00017%; no homozygotes.

Submission:

Labcorp Genetics (formerly Invitae), Labcorp
Classification: Uncertain significance for Aortic valve disease 2. Last evaluated: 2025-03-13. Review status: criteria provided, single submitter. Criteria: Invitae Variant Classification Sherloc (09022015). Collection method: clinical testing. Allele origin: germline.
Comment: This sequence change replaces proline, which is neutral and non-polar, with leucine, which is neutral and non-polar, at codon 485 of the SMAD6 protein (p.Pro485Leu). The frequency data for this variant in the population databases is considered unreliable, as metrics indicate poor data quality at this position in the gnomAD database. This variant has not been reported in the literature in individuals affected with SMAD6-related conditions. Invitae Evidence Modeling of protein sequence and biophysical properties (such as structural, functional, and spatial information, amino acid conservation, physicochemical variation, residue mobility, and thermodynamic stability) indicates that this missense variant is expected to disrupt SMAD6 protein function with a positive predictive value of 80%. In summary, the available evidence is currently insufficient to determine the role of this variant in disease. Therefore, it has been classified as a Variant of Uncertain Significance.